The following is an entry in ClinVar:

ClinVar aggregate classification (germline): Likely pathogenic (1 of 4 stars; one submission).

Conditions:
Hypertrophic cardiomyopathy. Also called: HYPERTROPHIC MYOCARDIOPATHY. Identifiers: Orphanet 217569, MedGen C0007194, MeSH D002312, MONDO:0005045, HP:0001639.

Submission:

Labcorp Genetics (formerly Invitae), Labcorp
Classification: Likely pathogenic for Hypertrophic cardiomyopathy. Last evaluated: 2020-01-23. Review status: criteria provided, single submitter. Criteria: Invitae Variant Classification Sherloc (09022015). Collection method: clinical testing. Allele origin: germline.
Comment: In summary, the currently available evidence indicates that the variant is pathogenic, but additional data are needed to prove that conclusively. Therefore, this variant has been classified as Likely Pathogenic. This variant disrupts the p.Arg495 amino acid residue in MYBPC3. Other variant(s) that disrupt this residue have been determined to be pathogenic (PMID: 18403758, 19659763, 22574137, 9562578, 23396983, 26671970, 19150014, 20433692, 22765922). This suggests that this residue is clinically significant, and that variants that disrupt this residue are likely to be disease-causing. This variant has not been reported in the literature in individuals with MYBPC3-related conditions. This variant is an in-frame deletion of the genomic region encompassing exon(s) 10-20 and part of exon 9 but preserves the donor splice site of intron 9 of the MYBPC3 gene. It preserves the integrity of the reading frame.

Literature cited by the submitters: PubMed 18403758; PubMed 19659763; PubMed 22574137; PubMed 9562578; PubMed 23396983; PubMed 26671970; PubMed 19150014; PubMed 20433692; PubMed 22765922.

NC_000011.9:g.(?_47362544)_(47368616_?)del

Gene: MYBPC3 (myosin binding protein C3; minus strand). Cytogenetic location: 11p11.2.
Variant type: Deletion.
Identifiers: ClinVar variation 1067412 (VCV001067412.7).